The following is an entry in ClinVar:

ClinVar aggregate classification (germline): Uncertain significance (1 of 4 stars; one submission).

Conditions:
Primary ciliary dyskinesia. Also called: Ciliary dyskinesia. Identifiers: Orphanet 244, MedGen C0008780, MONDO:0016575, HP:0012265.

Submission:

Labcorp Genetics (formerly Invitae), Labcorp
Classification: Uncertain significance for Primary ciliary dyskinesia. Last evaluated: 2021-11-06. Review status: criteria provided, single submitter. Criteria: Invitae Variant Classification Sherloc (09022015). Collection method: clinical testing. Allele origin: germline.
Comment: Experimental studies and prediction algorithms are not available or were not evaluated, and the functional significance of this variant is currently unknown. In summary, the available evidence is currently insufficient to determine the role of this variant in disease. Therefore, it has been classified as a Variant of Uncertain Significance. ClinVar contains an entry for this variant (Variation ID: 639898). This variant has not been reported in the literature in individuals affected with DNAH8-related conditions. This variant is not present in population databases (gnomAD no frequency). This variant, c.7900_7902del, results in the deletion of 1 amino acid(s) of the DNAH8 protein (p.Tyr2634del), but otherwise preserves the integrity of the reading frame.

NM_001206927.2(DNAH8):c.7894TAT[2] (p.Tyr2634del)

Gene: DNAH8 (dynein axonemal heavy chain 8; plus strand). Cytogenetic location: 6p21.2.
Variant type: Microsatellite.
Coding change: c.7894TAT[2] on transcript NM_001206927.2 (MANE Select); two copies in a row of the 3-base unit TAT starting at c.7894; the reference has three copies in a row; one copy, 3 bases deleted.
Protein change: p.Tyr2634del; deletes tyrosine 2634.
Molecular consequence: inframe deletion.
Genome position (GRCh38, 1-based): chr6:38,882,951-38,882,953, TAT deleted; deleting any 3 consecutive bases within chr6:38,882,944-38,882,953 gives the same sequence; the position shown is the placement nearest the transcript's 3' end. VCF-style (leftmost placement, unchanged base first): chr6-38882943-CTTA-C. GRCh37 (hg19) VCF-style: chr6-38850719-CTTA-C.
Other names: c.7243TAT[2], p.Tyr2417del (NM_001371.4); short protein forms Y2417del, Y2634del.
Identifiers: ClinVar variation 639898 (VCV000639898.7), dbSNP rs1583267887, ClinGen allele CA915944245.
Genomic context (GRCh38, chr6:38,882,943, plus strand): 5'-TAAGATGAAATTTTACTTATTATATAGGTGATTGGGAGCACTGGAATAAGAAACTTCAGC[CTTA>C]TTATTATCCAACTGACAGTATTCCGGAATATTCATCAATTTTGGTTCCAAATGTTGACAA-3'